The following is an entry in ClinVar:

ClinVar aggregate classification (germline): Pathogenic/Likely pathogenic. Review status: criteria provided, multiple submitters, no conflicts (2 of 4 stars). 2 submissions from 2 submitters: Pathogenic (1); Likely pathogenic (1). Last evaluated 2025-09-15.

Conditions:
PMM2-congenital disorder of glycosylation. Also called: CDG Ia; JAEKEN SYNDROME; PHOSPHOMANNOMUTASE 2 DEFICIENCY; CARBOHYDRATE-DEFICIENT GLYCOPROTEIN SYNDROME, TYPE Ia; Congenital disorder of glycosylation, type Ia; PMM2-CDG. Identifiers: Orphanet 79318, MedGen C0349653, MONDO:0008907, OMIM 212065.

Allele frequency attached by ClinVar (database versions not stated): gnomAD 0.00001.
gnomAD v4.1: 1 of 1,595,536 alleles (0.000063%); highest among the groups gnomAD compares: Admixed American, 0.0017%; no homozygotes.

Submissions (2):

Labcorp Genetics (formerly Invitae), Labcorp
Classification: Pathogenic for PMM2-congenital disorder of glycosylation. Last evaluated: 2025-09-15. Review status: criteria provided, single submitter. Criteria: Invitae Variant Classification Sherloc (09022015). Collection method: clinical testing. Allele origin: germline.
Comment: This sequence change creates a premature translational stop signal (p.Gln85*) in the PMM2 gene. It is expected to result in an absent or disrupted protein product. Loss-of-function variants in PMM2 are known to be pathogenic (PMID: 19862844). This variant is present in population databases (no rsID available, gnomAD 0.1%). This variant has not been reported in the literature in individuals affected with PMM2-related conditions. ClinVar contains an entry for this variant (Variation ID: 2677887). Algorithms developed to predict the effect of sequence changes on RNA splicing suggest that this variant may disrupt the consensus splice site. For these reasons, this variant has been classified as Pathogenic.

Natera, Inc.
Classification: Likely pathogenic for Congenital disorder of glycosylation type 1a. Last evaluated: 2025-09-01. Review status: criteria provided, single submitter. Criteria: Natera Variant Classification Schema (03/2026). Collection method: clinical testing. Allele origin: germline.
Comment: The c.253C>T variant in PMM2 is a nonsense variant predicted to introduce a stop codon at amino acid 85. This variant is expected to result in nonsense mediated decay, truncation, or a dysfunctional protein product. This variant is rare in the general population with a frequency below the threshold expected for the associated phenotype(s). Given the available evidence, this variant is classified as Likely Pathogenic.

Literature cited by the submitters: PubMed 19862844 (cited by Labcorp Genetics (formerly Invitae), Labcorp).

NM_000303.3(PMM2):c.253C>T (p.Gln85Ter)

Gene: PMM2 (phosphomannomutase 2; plus strand). Cytogenetic location: 16p13.2.
Variant type: single nucleotide variant.
Coding change: c.253C>T on transcript NM_000303.3 (MANE Select); coding-DNA position 253, C replaced by T.
Protein change: p.Gln85Ter; replaces glutamine 85 with a stop codon.
Molecular consequence: nonsense.
Genome position (GRCh38, 1-based): chr16:8,804,841, C>T. VCF-style: chr16-8804841-C-T. GRCh37 (hg19) VCF-style: chr16-8898698-C-T.
Other names: c.253C>T (NM_000303.2); short protein forms Q85*.
Identifiers: ClinVar variation 2677887 (VCV002677887.6), dbSNP rs1189623251, ClinGen allele CA394696017.